The following is an entry in ClinVar:

NM_003907.3(EIF2B5):c.721C>T (p.Arg241Ter)

Gene: EIF2B5 (eukaryotic translation initiation factor 2B subunit epsilon; plus strand). Cytogenetic location: 3q27.1.
Variant type: single nucleotide variant.
Coding change: c.721C>T on transcript NM_003907.3 (MANE Select); coding-DNA position 721, C replaced by T.
Protein change: p.Arg241Ter; replaces arginine 241 with a stop codon.
Molecular consequence: nonsense.
Genome position (GRCh38, 1-based): chr3:184,138,202, C>T. VCF-style: chr3-184138202-C-T. GRCh37 (hg19) VCF-style: chr3-183855990-C-T.
Other names: c.721C>T (NM_003907.2); short protein forms R241*.
Identifiers: ClinVar variation 2799561 (VCV002799561.4), dbSNP rs1215525192, ClinGen allele CA355382969.
Genomic context (GRCh38, chr3:184,138,202, plus strand): 5'-AGTCCTTGTAACTTCTCCCCACAGAGCCTGTTTCAGGGCAGTAGTGATGGAGTGGAGGTT[C>T]GATATGATTTACTGGATTGTCATATCAGCATCTGTTCTCCTCAGGTGAGCTCTTTAGGGC-3'

ClinVar aggregate classification (germline): Pathogenic/Likely pathogenic. Review status: criteria provided, multiple submitters, no conflicts (2 of 4 stars). 2 submissions from 2 submitters: Pathogenic (1); Likely pathogenic (1). Last evaluated 2024-06-13.

Conditions:
Vanishing white matter disease. Also called: Childhood ataxia with diffuse central nervous system hypomyelination; Leukoencephalopathy with vanishing white matter; CACH/VWM syndrome; Cree leukoencehalopathy; CACH syndrome. Identifiers: Orphanet 135, Orphanet 99853, MedGen C1858991, MONDO:0800448.

Allele frequency attached by ClinVar (database versions not stated): gnomAD exomes below 0.00001; TOPMed below 0.00001.

Submissions (2):

Natera, Inc.
Classification: Likely pathogenic for Leukoencephalopathy with vanishing white matter. Last evaluated: 2024-06-13. Review status: criteria provided, single submitter. Criteria: Natera Variant Classification Schema (03/2026). Collection method: clinical testing. Allele origin: germline.
Comment: The c.721C>T variant in EIF2B5 is a nonsense variant predicted to introduce a stop codon at amino acid 241. This variant is expected to result in nonsense mediated decay, truncation, or a dysfunctional protein product. This variant is rare in the general population with a frequency below the threshold expected for the associated phenotype(s). Given the available evidence, this variant is classified as Likely Pathogenic.

Labcorp Genetics (formerly Invitae), Labcorp
Classification: Pathogenic. Last evaluated: 2023-09-03. Review status: criteria provided, single submitter. Criteria: Invitae Variant Classification Sherloc (09022015). Collection method: clinical testing. Allele origin: germline.
Comment: This sequence change creates a premature translational stop signal (p.Arg241*) in the EIF2B5 gene. It is expected to result in an absent or disrupted protein product. Loss-of-function variants in EIF2B5 are known to be pathogenic (PMID: 11704758, 15060152, 21307862). For these reasons, this variant has been classified as Pathogenic. This variant has not been reported in the literature in individuals affected with EIF2B5-related conditions. This variant is present in population databases (no rsID available, gnomAD 0.004%).

Literature cited by the submitters: PubMed 11704758 (cited by Labcorp Genetics (formerly Invitae), Labcorp); PubMed 15060152 (cited by Labcorp Genetics (formerly Invitae), Labcorp); PubMed 21307862 (cited by Labcorp Genetics (formerly Invitae), Labcorp).